The following is an entry in ClinVar:

ClinVar aggregate classification (germline): Uncertain significance (1 of 4 stars; one submission).

Submission:

Labcorp Genetics (formerly Invitae), Labcorp
Classification: Uncertain significance. Last evaluated: 2025-05-01. Review status: criteria provided, single submitter. Criteria: Invitae Variant Classification Sherloc (09022015). Collection method: clinical testing. Allele origin: germline.
Comment: This variant, c.2705_2710del, results in the deletion of 2 amino acid(s) of the GEN1 protein (p.Lys902_Leu903del), but otherwise preserves the integrity of the reading frame. This variant is present in population databases (rs781690253, gnomAD 0.05%). This variant has not been reported in the literature in individuals affected with GEN1-related conditions. ClinVar contains an entry for this variant (Variation ID: 937989). Experimental studies and prediction algorithms are not available or were not evaluated, and the functional significance of this variant is currently unknown. In summary, the available evidence is currently insufficient to determine the role of this variant in disease. Therefore, it has been classified as a Variant of Uncertain Significance.

NM_001130009.3(GEN1):c.2705_2710del (p.Lys902_Leu903del)

Gene: GEN1 (GEN1 structure-specific endonuclease; plus strand). Cytogenetic location: 2p24.2.
Variant type: Deletion.
Coding change: c.2705_2710del on transcript NM_001130009.3 (MANE Select); coding-DNA positions 2705 to 2710, 6 bases deleted (AACTAA; older notation c.2705_2710delAACTAA).
Protein change: p.Lys902_Leu903del.
Molecular consequence: inframe deletion.
Genome position (GRCh38, 1-based): chr2:17,781,917-17,781,922, AACTAA deleted; deleting any 6 consecutive bases within chr2:17,781,914-17,781,922 gives the same sequence; the c. name uses the placement nearest the transcript's 3' end. VCF-style (leftmost placement, unchanged base first): chr2-17781913-TTAAAAC-T. GRCh37 (hg19) VCF-style: chr2-17963180-TTAAAAC-T.
Other names: c.2705_2710del, p.Lys902_Leu903del (NM_182625.5).
Identifiers: ClinVar variation 937989 (VCV000937989.9), dbSNP rs781690253, ClinGen allele CA1541009.